The following is an entry in ClinVar:

ClinVar aggregate classification (germline): Uncertain significance (1 of 4 stars; one submission).

Conditions:
Fuhrmann syndrome. Identifiers: Orphanet 2854, MedGen C1856728, MONDO:0009232, OMIM 228930.
Schinzel phocomelia syndrome. Also called: ULNA AND FIBULA, ABSENCE OF, WITH SEVERE LIMB DEFICIENCY; AL-AWADI/RAAS-ROTHSCHILD SYNDROME; LIMB/PELVIS-HYPOPLASIA/APLASIA SYNDROME; Phocomelia, Schinzel type. Identifiers: Orphanet 2879, MedGen C1848651, MONDO:0010164, OMIM 276820.
Santos syndrome. Also called: FIBULAR AGENESIS/HYPOPLASIA, OLIGODACTYLOUS CLUBFEET, AND ANONYCHIA/NAIL HYPOPLASIA SYNDROME. Identifiers: MedGen C2751698, MONDO:0013077, OMIM 613005.

gnomAD v4.1: 2 of 1,612,932 alleles (0.00012%); highest among the groups gnomAD compares: Non-Finnish European, 0.00017%; no homozygotes.

Submission:

Juno Genomics, Hangzhou Juno Genomics, Inc
Classification: Uncertain significance for Santos syndrome; Schinzel phocomelia syndrome; Fuhrmann syndrome. Review status: criteria provided, single submitter. Criteria: ACMG Guidelines, 2015. Collection method: clinical testing. Allele origin: germline. Affected: yes.
Comment: Absent from controls (or at extremely low frequency if recessive) in Genome Aggregation Database.;Multiple lines of computational evidence support a deleterious effect on the gene or gene product.;For recessive disorders, detected in trans with a pathogenic variant.;Patient's phenotype or family history is highly specific for a disease with a single genetic etiology.

NM_004625.4(WNT7A):c.671T>G (p.Leu224Arg)

Gene: WNT7A (Wnt family member 7A; minus strand). Cytogenetic location: 3p25.1.
Variant type: single nucleotide variant.
Coding change: c.671T>G on transcript NM_004625.4 (MANE Select); coding-DNA position 671, T replaced by G.
Protein change: p.Leu224Arg; replaces leucine 224 with arginine.
Molecular consequence: missense variant.
Genome position (GRCh38, 1-based): chr3:13,819,323, A>C on the plus strand (T>G on the coding strand, the complement: WNT7A is on the minus strand). VCF-style: chr3-13819323-A-C. GRCh37 (hg19) VCF-style: chr3-13860820-A-C.
Other names: short protein forms L224R.
Identifiers: ClinVar variation 5018574 (VCV005018574.1).
Genomic context (GRCh38, chr3:13,819,323, plus strand): 5'-CTGGCACGCACAGGCTCCACGTGAACGGCCTCGTTGTACTTGTCCTTGAGCACGTAGCCC[A>C]GCTCCCGAAACTGTGGCAGTGTGGTCCAGCACGTCTTGGTGGTGCACGAGCCTGACACGC-3'
Protein context (NP_004616.2, residues 214-234): CWTTLPQFRE[Leu224Arg]GYVLKDKYNE